The following is an entry in ClinVar:

ClinVar aggregate classification (germline): Uncertain significance. Review status: criteria provided, multiple submitters, no conflicts (2 of 4 stars). 2 submissions from 2 submitters: Uncertain significance (2). Last evaluated 2025-08-20.

Conditions:
Primary ciliary dyskinesia. Also called: Ciliary dyskinesia. Identifiers: Orphanet 244, MedGen C0008780, MONDO:0016575, HP:0012265.
Inborn genetic diseases. Identifiers: MedGen C0950123, MeSH D030342.

Allele frequency attached by ClinVar (database versions not stated): gnomAD 0.00001; ExAC 0.00002; TOPMed 0.00002.

Submissions (2):

Ambry Genetics
Classification: Uncertain significance for Inborn genetic diseases. Last evaluated: 2025-08-20. Review status: criteria provided, single submitter. Criteria: Ambry Variant Classification Scheme 2023. Collection method: clinical testing. Allele origin: germline.

Labcorp Genetics (formerly Invitae), Labcorp
Classification: Uncertain significance for Primary ciliary dyskinesia. Last evaluated: 2021-09-01. Review status: criteria provided, single submitter. Criteria: Invitae Variant Classification Sherloc (09022015). Collection method: clinical testing. Allele origin: germline.
Comment: This sequence change replaces cysteine with serine at codon 155 of the CCNO protein (p.Cys155Ser). The cysteine residue is highly conserved and there is a moderate physicochemical difference between cysteine and serine. This variant is present in population databases (rs758456393, ExAC 0.02%). This variant has not been reported in the literature in individuals affected with CCNO-related conditions. Algorithms developed to predict the effect of missense changes on protein structure and function are either unavailable or do not agree on the potential impact of this missense change (SIFT: "Tolerated"; PolyPhen-2: "Possibly Damaging"; Align-GVGD: "Class C0"). In summary, the available evidence is currently insufficient to determine the role of this variant in disease. Therefore, it has been classified as a Variant of Uncertain Significance.

NM_021147.5(CCNO):c.463T>A (p.Cys155Ser)

Gene: CCNO (cyclin O; minus strand). Cytogenetic location: 5q11.2.
Variant type: single nucleotide variant.
Coding change: c.463T>A on transcript NM_021147.5 (MANE Select); coding-DNA position 463, T replaced by A.
Protein change: p.Cys155Ser; replaces cysteine 155 with serine.
Molecular consequence: missense variant. On other transcripts: non-coding transcript variant (3).
Genome position (GRCh38, 1-based): chr5:55,232,465, A>T on the plus strand (T>A on the coding strand, the complement: CCNO is on the minus strand). VCF-style: chr5-55232465-A-T. GRCh37 (hg19) VCF-style: chr5-54528293-A-T.
Other names: c.463T>A (NM_021147.3); short protein forms C155S.
Identifiers: ClinVar variation 665573 (VCV000665573.9), dbSNP rs758456393, ClinGen allele CA3266765.